The following is an entry in ClinVar:

NM_213655.5(WNK1):c.2172dup (p.Pro725fs)

Gene: WNK1 (WNK lysine deficient protein kinase 1; plus strand). Cytogenetic location: 12p13.33.
Variant type: Duplication.
Coding change: c.2172dup on transcript NM_213655.5 (MANE Plus Clinical); coding-DNA position 2172, one base duplicated (T; older notation c.2172dupT).
Protein change: p.Pro725fs; shifts the reading frame from proline 725.
Molecular consequence: frameshift variant. On other transcripts: intron variant (3).
Genome position (GRCh38, 1-based): chr12:865,142, T duplicated; the last of 2 consecutive T bases (chr12:865,141-865,142); duplicating either gives the same sequence. VCF-style (leftmost placement, unchanged base first): chr12-865140-G-GT. GRCh37 (hg19) VCF-style: chr12-974306-G-GT.
Other names: c.2140-2724dup (NM_001184985.2); c.2139+2872dup (NM_018979.4, NM_014823.3); c.2172dupT (NM_213655.4); short protein forms P725fs.
Identifiers: ClinVar variation 641047 (VCV000641047.16), dbSNP rs910119961, ClinGen allele CA231495129.

ClinVar aggregate classification (germline): Conflicting classifications of pathogenicity. Review status: criteria provided, conflicting classifications (1 of 4 stars). 4 submissions from 4 submitters: Pathogenic (1); Uncertain significance (2); Likely benign (1). Last evaluated 2026-05-25.

Conditions:
Neuropathy, hereditary sensory and autonomic, type 2A (HSAN2A). Also called: HSAN IIA; ACROOSTEOLYSIS, GIACCAI TYPE; ACROOSTEOLYSIS, NEUROGENIC; WNK1-Related HSAN2 (HSAN2A); MORVAN DISEASE; NEUROPATHY, CONGENITAL SENSORY. Identifiers: Orphanet 970, MedGen C2752089, MONDO:0024309, OMIM 201300.
Pseudohypoaldosteronism type 2C (PHA2C). Also called: Pseudohypoaldosteronism Type IIC. Identifiers: Orphanet 757, Orphanet 88940, MedGen C1840391, MONDO:0013778, OMIM 614492.
Inborn genetic diseases. Identifiers: MedGen C0950123, MeSH D030342.
WNK1-related disorder. Also called: WNK1-related condition.

Submissions (4):

PreventionGenetics, part of Exact Sciences
Classification: Uncertain significance for WNK1-related condition. Last evaluated: 2026-05-25. Review status: criteria provided, single submitter. Criteria: ACMG Guidelines, 2015. Collection method: clinical testing. Allele origin: germline.
Comment: The WNK1 c.2172dupT variant is predicted to result in a frameshift and premature protein termination (p.Pro725Serfs*46). Of note, this variant can also be referred to as c.2140-2724dupT with the alternative isoform, NM_001184985. To our knowledge, this variant has not been reported in the literature. This variant is reported in 0.014% of alleles in individuals of African descent in gnomAD. At this time, the clinical significance of this variant is uncertain due to the absence of conclusive functional and genetic evidence.

Labcorp Genetics (formerly Invitae), Labcorp
Classification: Likely benign for Neuropathy, hereditary sensory and autonomic, type 2A; Pseudohypoaldosteronism type 2C. Last evaluated: 2024-10-28. Review status: criteria provided, single submitter. Criteria: Invitae Variant Classification Sherloc (09022015). Collection method: clinical testing. Allele origin: germline.

Ambry Genetics
Classification: Uncertain significance for Inborn genetic diseases. Last evaluated: 2023-12-19. Review status: criteria provided, single submitter. Criteria: Ambry Variant Classification Scheme 2023. Collection method: clinical testing. Allele origin: germline.
Comment: The c.2172dupT (p.P725Sfs*46) alteration, located in exon 9 (coding exon 9) of the WNK1 gene, consists of a duplication of T at position 2172, causing a translational frameshift with a predicted alternate stop codon after 46 amino acids. Frameshift alterations are typically deleterious in nature (Richards, 2015). Based on insufficient or conflicting evidence, the clinical significance of this alteration remains unclear.

Genomic Research Center, Shahid Beheshti University of Medical Sciences
Classification: Pathogenic. Last evaluated: 2020-05-03. Review status: criteria provided, single submitter. Criteria: ACMG Guidelines, 2015. Collection method: clinical testing. Allele origin: unknown. Affected: yes.